The following is an entry in ClinVar:

NM_001042492.3(NF1):c.7057_7059del (p.Asp2353del)

Gene: NF1 (neurofibromin 1; plus strand). Cytogenetic location: 17q11.2.
Variant type: Deletion.
Coding change: c.7057_7059del on transcript NM_001042492.3 (MANE Select); coding-DNA positions 7057 to 7059, 3 bases deleted (GAC; older notation c.7057_7059delGAC).
Protein change: p.Asp2353del; deletes aspartic acid 2353.
Molecular consequence: inframe deletion. On other transcripts: inframe indel (1).
Genome position (GRCh38, 1-based): chr17:31,340,640-31,340,642, GAC deleted. VCF-style (leftmost placement, unchanged base first): chr17-31340639-TGAC-T. GRCh37 (hg19) VCF-style: chr17-29667657-TGAC-T.
Other names: c.6994_6996delGAC (NM_000267.3); c.6994_6996delGAC, p.Asp2332del (NM_000267.4); short protein forms D2332del, D2353del.
Identifiers: ClinVar variation 187215 (VCV000187215.14), dbSNP rs786203558, ClinGen allele CA197033.
Genomic context (GRCh38, chr17:31,340,639, plus strand): 5'-AGCAGGTACCGCACTTCTTGAACAAAACCTGCATACTTTAGATAGTCTCCGTATATTCAA[TGAC>T]AAGGTAAGCAAACTTTGCCTTGAGGTTCCTAGATTACTCAAATTTAGTACTCTTCCATCT-3'

ClinVar aggregate classification (germline): Conflicting classifications of pathogenicity. Review status: criteria provided, conflicting classifications (1 of 4 stars). 5 submissions from 4 submitters: Uncertain significance (4); Likely benign (1). Last evaluated 2025-11-03.

Conditions:
Hereditary cancer-predisposing syndrome. Also called: Hereditary Cancer Syndrome; Neoplastic Syndromes, Hereditary; Tumor predisposition; Hereditary neoplastic syndrome. Identifiers: Orphanet 140162, MedGen C0027672, MeSH D009386, MONDO:0015356.
Cardiovascular phenotype. Identifiers: MedGen CN230736.
Juvenile myelomonocytic leukemia (JMML). Also called: LEUKEMIA, JUVENILE MYELOMONOCYTIC, SOMATIC. Identifiers: Orphanet 86834, MedGen C0349639, MONDO:0011908, OMIM 607785, HP:0012209.
Neurofibromatosis, type 1 (NF1). Also called: NEUROFIBROMATOSIS, TYPE I, SOMATIC; VON RECKLINGHAUSEN DISEASE; Peripheral type neurofibromatosis; Neurofibromatosis, type I. Identifiers: Orphanet 636, MedGen C0027831, MONDO:0018975, OMIM 162200. Disease mechanism: loss of function.

Allele frequency attached by ClinVar (database versions not stated): gnomAD exomes below 0.00001.

Submissions (5):

Labcorp Genetics (formerly Invitae), Labcorp
Classification: Likely benign for Neurofibromatosis, type 1. Last evaluated: 2025-11-03. Review status: criteria provided, single submitter. Criteria: Invitae Variant Classification Sherloc (09022015). Collection method: clinical testing. Allele origin: germline.

Baylor Genetics
Classification: Uncertain significance for Juvenile myelomonocytic leukemia. Last evaluated: 2024-03-19. Review status: criteria provided, single submitter. Criteria: ACMG Guidelines, 2015. Collection method: clinical testing. Allele origin: unknown.

Genome-Nilou Lab
Classification: Uncertain significance for Neurofibromatosis, type 1. Last evaluated: 2022-03-15. Review status: criteria provided, single submitter. Criteria: ACMG Guidelines, 2015. Collection method: clinical testing. Allele origin: germline. Affected: no.

Ambry Genetics
Classification: Uncertain significance for Cardiovascular phenotype; Hereditary cancer-predisposing syndrome. Last evaluated: 2021-04-12. Review status: criteria provided, single submitter. Criteria: Ambry Variant Classification Scheme 2023. Collection method: clinical testing. Allele origin: germline.
Comment: The c.6994_6996delGAC (p.D2332del) alteration is located in exon 46 (coding exon 46) of the NF1 gene. This alteration consists of an in-frame deletion of 3 nucleotides between nucleotide positions c.6994 and c.6996, resulting in the deletion of 1 residue. Based on insufficient or conflicting evidence, the clinical significance of this alteration remains unclear.

Ambry Genetics
Classification: Uncertain significance for Hereditary cancer-predisposing syndrome. Last evaluated: 2014-11-20. Review status: criteria provided, single submitter. Criteria: Ambry Autosomal Dominant and X-Linked criteria (10/2015). Collection method: clinical testing. Allele origin: germline. Observed: 1 variant allele.
Comment: The c.7057_7059delGAC variant (also known as p.D2353del) is located in coding exon 47 of the NF1 gene. This variant results from an in-frame deletion of 3 nucleotidesat positions 7057 to 7059, causing the removal of a highly-conserved aspartic acid residue at codon 2353. This variant was not reported in population based cohorts in the following databases: Database of Single Nucleotide Polymorphisms (dbSNP), NHLBI Exome Sequencing Project (ESP), and 1000 Genomes Project. In the ESP, this variant was not observed in 6503 samples (13006 alleles) with coverage at this position. To date, this alteration has been detected with an allele frequency of approximately 0.007% (greater than 30000 alleles tested) in our clinical cohort.Since supporting evidence is limited at this time, the clinical significance of c.7057_7059delGAC remains unclear.